The following is an entry in ClinVar:

NM_001101426.4(CRPPA):c.-145A>G

Gene: CRPPA (CDP-L-ribitol pyrophosphorylase A; minus strand). Cytogenetic location: 7p21.2.
Variant type: single nucleotide variant.
Coding change: c.-145A>G on transcript NM_001101426.4 (MANE Select); 145 bases upstream of the start codon, A replaced by G.
Molecular consequence: 5 prime UTR variant. On other transcripts: non-coding transcript variant (1).
Genome position (GRCh38, 1-based): chr7:16,421,467, T>C on the plus strand (A>G on the coding strand, the complement: CRPPA is on the minus strand). VCF-style: chr7-16421467-T-C. GRCh37 (hg19) VCF-style: chr7-16461092-T-C.
Other names: c.-145A>G (NM_001101417.4, NM_001368197.1).
Identifiers: ClinVar variation 681979 (VCV000681979.1), dbSNP rs7783221, ClinGen allele CA12582079.
Genomic context (GRCh38, chr7:16,421,467, plus strand): 5'-GAAGGGCAGACCACGGAGAGGGACGCAGAGCGCGCAAGCAGAAGGCGCCCCCCTCAGCCG[T>C]CGGAGCCCCGCTGTTGCTGCCCCGCAGGGGACGATCCCGACAGCTACGGCAGCAGCTGAG-3'

ClinVar aggregate classification (germline): Benign (1 of 4 stars; one submission).

Allele frequency attached by ClinVar (database versions not stated): gnomAD exomes 0.97875; TOPMed 0.98355; gnomAD 0.98398 and 0.98448; 1000 Genomes Project 0.99321; 1000 Genomes Project 30x 0.99344.
gnomAD v4.1: 744,065 of 759,338 alleles (98%); highest among the groups gnomAD compares: East Asian, 100%; 364,659 homozygotes.

Submission:

GeneDx
Classification: Benign. Last evaluated: 2018-06-14. Review status: criteria provided, single submitter. Criteria: GeneDx Variant Classification (06012015). Collection method: clinical testing. Allele origin: germline. Affected: yes.
Comment: This variant is considered likely benign or benign based on one or more of the following criteria: it is a conservative change, it occurs at a poorly conserved position in the protein, it is predicted to be benign by multiple in silico algorithms, and/or has population frequency not consistent with disease.